The following is an entry in ClinVar:

ClinVar aggregate classification (germline): Uncertain significance. Review status: criteria provided, multiple submitters, no conflicts (2 of 4 stars). 2 submissions from 2 submitters: Uncertain significance (2). Last evaluated 2025-12-22.

Conditions:
Intellectual developmental disorder with dysmorphic facies and behavioral abnormalities. Identifiers: MedGen C4748135, MONDO:0060760, OMIM 618089.

Allele frequency attached by ClinVar (database versions not stated): TOPMed below 0.00001.
gnomAD v4.1: 2 of 1,613,664 alleles (0.00012%); highest among the groups gnomAD compares: Non-Finnish European, 0.00017%; no homozygotes.

Submissions (2):

Labcorp Genetics (formerly Invitae), Labcorp
Classification: Uncertain significance. Last evaluated: 2025-12-22. Review status: criteria provided, single submitter. Criteria: Invitae Variant Classification Sherloc (09022015). Collection method: clinical testing. Allele origin: germline.
Comment: This sequence change replaces asparagine, which is neutral and polar, with aspartic acid, which is acidic and polar, at codon 191 of the FBXO11 protein (p.Asn191Asp). This variant is not present in population databases (gnomAD no frequency). This variant has not been reported in the literature in individuals affected with FBXO11-related conditions. ClinVar contains an entry for this variant (Variation ID: 2101567). An algorithm developed to predict the effect of missense changes on protein structure and function (PolyPhen-2) suggests that this variant is likely to be tolerated. In summary, the available evidence is currently insufficient to determine the role of this variant in disease. Therefore, it has been classified as a Variant of Uncertain Significance.

Laboratorio de Genetica e Diagnostico Molecular, Hospital Israelita Albert Einstein
Classification: Uncertain significance for Intellectual developmental disorder with dysmorphic facies and behavioral abnormalities. Last evaluated: 2022-07-08. Review status: criteria provided, single submitter. Criteria: ACMG Guidelines, 2015. Collection method: clinical testing. Allele origin: germline. Affected: yes. Observed: 1 variant allele.
Comment: ACMG classification criteria: PM2 moderated, BP4 supporting

NM_001190274.2(FBXO11):c.571A>G (p.Asn191Asp)

Gene: FBXO11 (F-box protein 11; minus strand). Cytogenetic location: 2p16.3.
Variant type: single nucleotide variant.
Coding change: c.571A>G on transcript NM_001190274.2 (MANE Select); coding-DNA position 571, A replaced by G.
Protein change: p.Asn191Asp; replaces asparagine 191 with aspartic acid.
Molecular consequence: missense variant.
Genome position (GRCh38, 1-based): chr2:47,838,875, T>C on the plus strand (A>G on the coding strand, the complement: FBXO11 is on the minus strand). VCF-style: chr2-47838875-T-C. GRCh37 (hg19) VCF-style: chr2-48066014-T-C.
Other names: c.319A>G, p.Asn107Asp (NM_001374325.1, NM_025133.4); short protein forms N191D, N107D.
Identifiers: ClinVar variation 2101567 (VCV002101567.5), dbSNP rs1190653939, ClinGen allele CA346812773.